The following is an entry in ClinVar:

ClinVar aggregate classification (germline): Likely pathogenic (0 of 4 stars; one submission).

Conditions:
SLC4A1-related disorder. Also called: SLC4A1-related disorders; SLC4A1-related condition.

Submission:

PreventionGenetics, part of Exact Sciences
Classification: Likely pathogenic for SLC4A1-related condition. Last evaluated: 2024-05-13. Review status: no assertion criteria provided. Collection method: clinical testing. Allele origin: germline.
Comment: The SLC4A1 c.592_593delCA variant is predicted to result in a frameshift and premature protein termination (p.Gln198Alafs*4). To our knowledge, this variant has not been reported in the literature or in a large population database, indicating this variant is rare. Frameshift variants in SLC4A1 are expected to be pathogenic. This variant is interpreted as likely pathogenic.

NM_000342.4(SLC4A1):c.592_593del (p.Gln198fs)

Gene: SLC4A1 (solute carrier family 4 member 1 (Diego blood group); minus strand). Cytogenetic location: 17q21.31.
Variant type: Microsatellite.
Coding change: c.592_593del on transcript NM_000342.4 (MANE Select); coding-DNA positions 592 to 593, 2 bases deleted (CA; older notation c.592_593delCA).
Protein change: p.Gln198fs; shifts the reading frame from glutamine 198.
Molecular consequence: frameshift variant.
Genome position (GRCh38, 1-based): chr17:44,259,825-44,259,826, TG deleted on the plus strand (CA on the coding strand, the reverse complement: SLC4A1 is on the minus strand); deleting any 2 consecutive bases within chr17:44,259,825-44,259,829 gives the same sequence; the c. name uses the placement nearest the transcript's 3' end. VCF-style (leftmost placement, unchanged base first): chr17-44259824-CTG-C. GRCh37 (hg19) VCF-style: chr17-42337192-CTG-C.
Other names: short protein forms Q198fs.
Identifiers: ClinVar variation 3346546 (VCV003346546.1).
Genomic context (GRCh38, chr17:44,259,824, plus strand): 5'-CCTTGCCCCACCCTGACCCTGACCCTGACCCTGTAACTGACTCACCTGCTCACAGAAGAG[CTG>C]TGTCTCCAGTGAGGAGTGTTGGGGGAGCAGAGGCTGTGAAGGATCCCCAGAGCGTGTCAG-3'